The following is an entry in ClinVar:

ClinVar aggregate classification (germline): Uncertain significance (1 of 4 stars; one submission).

Conditions:
Inborn genetic diseases. Identifiers: MedGen C0950123, MeSH D030342.

gnomAD v4.1: 2 of 1,613,908 alleles (0.00012%); highest among the groups gnomAD compares: Non-Finnish European, 0.00017%; no homozygotes.

Submission:

Ambry Genetics
Classification: Uncertain significance for Inborn genetic diseases. Last evaluated: 2024-08-05. Review status: criteria provided, single submitter. Criteria: Ambry Variant Classification Scheme 2023. Collection method: clinical testing. Allele origin: germline.
Comment: The p.H895Y variant (also known as c.2683C>T), located in coding exon 21 of the BUB1B gene, results from a C to T substitution at nucleotide position 2683. The histidine at codon 895 is replaced by tyrosine, an amino acid with similar properties. This amino acid position is conserved. In addition, this alteration is predicted to be tolerated by in silico analysis. Based on the available evidence, the clinical significance of this variant remains unclear.

NM_001211.6(BUB1B):c.2683C>T (p.His895Tyr)

Genes: BUB1B-PAK6 (BUB1B-PAK6 readthrough; plus strand), BUB1B (BUB1 mitotic checkpoint serine/threonine kinase B; plus strand). Cytogenetic location: 15q15.1.
Variant type: single nucleotide variant.
Coding change: c.2683C>T on transcript NM_001211.6 (MANE Select); coding-DNA position 2683, C replaced by T.
Protein change: p.His895Tyr; replaces histidine 895 with tyrosine.
Molecular consequence: missense variant. On other transcripts: 5 prime UTR variant (2).
Genome position (GRCh38, 1-based): chr15:40,217,500, C>T. VCF-style: chr15-40217500-C-T. GRCh37 (hg19) VCF-style: chr15-40509701-C-T.
Other names: c.-368C>T (NM_001128628.3); c.-285C>T (NM_001128629.3); short protein forms H895Y.
Identifiers: ClinVar variation 3483145 (VCV003483145.1).